The following is an entry in ClinVar:

NM_001089.3(ABCA3):c.4027C>T (p.Arg1343Trp)

Gene: ABCA3 (ATP binding cassette subfamily A member 3; minus strand). Cytogenetic location: 16p13.3.
Variant type: single nucleotide variant.
Coding change: c.4027C>T on transcript NM_001089.3 (MANE Select); coding-DNA position 4027, C replaced by T.
Protein change: p.Arg1343Trp; replaces arginine 1343 with tryptophan.
Molecular consequence: missense variant.
Genome position (GRCh38, 1-based): chr16:2,283,194, G>A on the plus strand (C>T on the coding strand, the complement: ABCA3 is on the minus strand). VCF-style: chr16-2283194-G-A. GRCh37 (hg19) VCF-style: chr16-2333195-G-A.
Other names: short protein forms R1343W.
Identifiers: ClinVar variation 318401 (VCV000318401.8), dbSNP rs375124752, ClinGen allele CA7840302.

ClinVar aggregate classification (germline): Conflicting classifications of pathogenicity. Review status: criteria provided, conflicting classifications (1 of 4 stars). 3 submissions from 3 submitters: Uncertain significance (2); Likely benign (1). Last evaluated 2022-05-30.

Conditions:
Hereditary pulmonary alveolar proteinosis. Also called: Pulmonary surfactant metabolism dysfunction. Identifiers: Orphanet 264675, MedGen C3711368, MONDO:0012580.
Interstitial lung disease due to ABCA3 deficiency. Also called: PULMONARY ALVEOLAR PROTEINOSIS, CONGENITAL, 3. Identifiers: Orphanet 440402, MedGen C1970456, MONDO:0012582, OMIM 610921.

Allele frequency attached by ClinVar (database versions not stated): ExAC 0.00001; gnomAD exomes 0.00002 and 0.00003; gnomAD 0.00004 and 0.00005; TOPMed 0.00004; ESP Exome Variant Server 0.00008.
gnomAD v4.1: 53 of 1,612,828 alleles (0.0033%); highest among the groups gnomAD compares: Middle Eastern, 0.017%; no homozygotes.

Submissions (3):

Ambry Genetics
Classification: Likely benign for Hereditary pulmonary alveolar proteinosis. Last evaluated: 2022-05-30. Review status: criteria provided, single submitter. Criteria: Ambry Variant Classification Scheme 2023. Collection method: clinical testing. Allele origin: germline.

Labcorp Genetics (formerly Invitae), Labcorp
Classification: Uncertain significance. Last evaluated: 2022-02-11. Review status: criteria provided, single submitter. Criteria: Invitae Variant Classification Sherloc (09022015). Collection method: clinical testing. Allele origin: germline.
Comment: This sequence change replaces arginine, which is basic and polar, with tryptophan, which is neutral and slightly polar, at codon 1343 of the ABCA3 protein (p.Arg1343Trp). This variant is present in population databases (rs375124752, gnomAD 0.004%). This variant has not been reported in the literature in individuals affected with ABCA3-related conditions. ClinVar contains an entry for this variant (Variation ID: 318401). Algorithms developed to predict the effect of missense changes on protein structure and function output the following: SIFT: "Tolerated"; PolyPhen-2: "Benign"; Align-GVGD: "Class C0". The tryptophan amino acid residue is found in multiple mammalian species, which suggests that this missense change does not adversely affect protein function. Algorithms developed to predict the effect of sequence changes on RNA splicing suggest that this variant may create or strengthen a splice site. In summary, the available evidence is currently insufficient to determine the role of this variant in disease. Therefore, it has been classified as a Variant of Uncertain Significance.

Illumina Laboratory Services, Illumina
Classification: Uncertain significance for Interstitial lung disease due to ABCA3 deficiency. Last evaluated: 2018-01-13. Review status: criteria provided, single submitter. Criteria: ICSL Variant Classification Criteria 13 December 2019. Collection method: clinical testing. Allele origin: germline.